The following is an entry in ClinVar:

ClinVar aggregate classification (germline): Uncertain significance. Review status: criteria provided, multiple submitters, no conflicts (2 of 4 stars). 2 submissions from 2 submitters: Uncertain significance (2). Last evaluated 2025-05-06.

Conditions:
Inborn genetic diseases. Identifiers: MedGen C0950123, MeSH D030342.

gnomAD v4.1: 1 of 1,613,856 alleles (0.000062%); no homozygotes.

Submissions (2):

Ambry Genetics
Classification: Uncertain significance for Inborn genetic diseases. Last evaluated: 2025-05-06. Review status: criteria provided, single submitter. Criteria: Ambry Variant Classification Scheme 2023. Collection method: clinical testing. Allele origin: germline.
Comment: The p.L1310W variant (also known as c.3929T>G), located in coding exon 14 of the FANCM gene, results from a T to G substitution at nucleotide position 3929. The leucine at codon 1310 is replaced by tryptophan, an amino acid with similar properties. This amino acid position is conserved. In addition, this alteration is predicted to be tolerated by in silico analysis. Based on the available evidence, the clinical significance of this variant remains unclear.

GeneDx
Classification: Uncertain significance. Last evaluated: 2024-08-28. Review status: criteria provided, single submitter. Criteria: GeneDx Variant Classification Process June 2021. Collection method: clinical testing. Allele origin: germline. Affected: yes.
Comment: Not observed at significant frequency in large population cohorts (gnomAD); In silico analysis indicates that this missense variant does not alter protein structure/function; Has not been previously published as pathogenic or benign to our knowledge

NM_020937.4(FANCM):c.3929T>G (p.Leu1310Trp)

Gene: FANCM (FA complementation group M; plus strand). Cytogenetic location: 14q21.2.
Variant type: single nucleotide variant.
Coding change: c.3929T>G on transcript NM_020937.4 (MANE Select); coding-DNA position 3929, T replaced by G.
Protein change: p.Leu1310Trp; replaces leucine 1310 with tryptophan.
Molecular consequence: missense variant.
Genome position (GRCh38, 1-based): chr14:45,176,683, T>G. VCF-style: chr14-45176683-T-G. GRCh37 (hg19) VCF-style: chr14-45645886-T-G.
Other names: c.3851T>G, p.Leu1284Trp (NM_001308133.2); short protein forms L1310W, L1284W.
Identifiers: ClinVar variation 2233052 (VCV002233052.4), dbSNP rs1888727736, ClinGen allele CA389603611.